The following is an entry in ClinVar:

NM_001082486.2(ACD):c.1264T>C (p.Cys422Arg)

Gene: ACD (ACD shelterin complex subunit and telomerase recruitment factor; minus strand). Cytogenetic location: 16q22.1.
Variant type: single nucleotide variant.
Coding change: c.1264T>C on transcript NM_001082486.2 (MANE Select); coding-DNA position 1264, T replaced by C.
Protein change: p.Cys422Arg; replaces cysteine 422 with arginine.
Molecular consequence: missense variant.
Genome position (GRCh38, 1-based): chr16:67,657,796, A>G on the plus strand (T>C on the coding strand, the complement: ACD is on the minus strand). VCF-style: chr16-67657796-A-G. GRCh37 (hg19) VCF-style: chr16-67691699-A-G.
Other names: c.1177T>C, p.Cys393Arg (NM_001410884.1); c.1255T>C, p.Cys419Arg (NM_022914.3); short protein forms C422R, C393R, C419R.
Identifiers: ClinVar variation 1774469 (VCV001774469.2), dbSNP rs2543596794, ClinGen allele CA396349878.

ClinVar aggregate classification (germline): Uncertain significance (1 of 4 stars; one submission).

Conditions:
Inborn genetic diseases. Identifiers: MedGen C0950123, MeSH D030342.

Allele frequency attached by ClinVar (database versions not stated): gnomAD exomes below 0.00001.
gnomAD v4.1: 4 of 1,614,120 alleles (0.00025%); highest among the groups gnomAD compares: Non-Finnish European, 0.00034%; no homozygotes.

Submission:

Ambry Genetics
Classification: Uncertain significance for Inborn genetic diseases. Last evaluated: 2021-09-04. Review status: criteria provided, single submitter. Criteria: Ambry Variant Classification Scheme 2023. Collection method: clinical testing. Allele origin: germline.
Comment: The p.C508R variant (also known as c.1522T>C), located in coding exon 11 of the ACD gene, results from a T to C substitution at nucleotide position 1522. The cysteine at codon 508 is replaced by arginine, an amino acid with highly dissimilar properties. This amino acid position is conserved. In addition, this alteration is predicted to be tolerated by in silico analysis. Since supporting evidence is limited at this time, the clinical significance of this alteration remains unclear.